The following continues an entry in ClinVar:

NM_007294.4(BRCA1):c.5123C>A (p.Ala1708Glu)

Gene: BRCA1. ClinVar aggregate classification (germline): Pathogenic. Pathogenic (1).

Submissions 10 to 20 of 42:

Ambry Genetics
Classification: Pathogenic for Hereditary cancer-predisposing syndrome. Last evaluated: 2024-08-22. Review status: criteria provided, single submitter. Criteria: Ambry Variant Classification Scheme 2023. Collection method: clinical testing. Allele origin: germline. Not counted in ClinVar's aggregate classification.
Comment: The p.A1708E pathogenic mutation (also known as c.5123C>A), located in coding exon 16 of the BRCA1 gene, results from a C to A substitution at nucleotide position 5123. The alanine at codon 1708 is replaced by glutamic acid, an amino acid with dissimilar properties. This alteration has been reported in numerous high-risk breast/ovarian cancer families (Fernandez-Lopez JC et al. Hum Genomics 2019 01;13(1):3; Abdel-Razeq H et al. J Oncol 2020 Jul;2020:8362179; Vallon-Christersson J et al. Hum. Mol. Genet. 2001 Feb;10:353-60; Abkevich V et al. J. Med. Genet. 2004 Jul;41:492-507; Capanu M et al. Genet. Epidemiol. 2011 Jul;35:389-97; Gabald&oacute; Barrios X et al. Fam. Cancer. 2017 Oct;16:477-489) and has been described as a founder mutation in the Colombian, Spanish, and Sephardic Jewish populations (Ferla R et al. Ann. Oncol. 2007 Jun;18 Suppl 6:vi93-8; Janavicius R. EPMA J. 2010 Sep;1:397-412; Sagi M et al. Fam. Cancer. 2011 Mar;10:59-63). Multiple functional studies have classified this alteration as deleterious (Findlay GM et al. Nature 2018 10;562(7726):217-222; Thouvenot P et al. PLoS Genet. 2016 06;12:e1006096; Bouwman P et al. Cancer Discov. 2013 Oct;3:1142-55; Lovelock PK et al. J. Med. Genet. 2006 Jan;43:74-83). A statistical algorithm based on personal and family history of cancer has also classified this alteration as pathogenic (Pruss D et al. Breast Cancer Res. Treat. 2014 Aug;147:119-32). In addition, p.A1708E was classified as definitely pathogenic (p>0.99) by multifactorial analysis, which integrates the following lines of evidence to produce a quantitative likelihood of pathogenicity: in silico prediction models, segregation with disease, tumor characteristics, and mutation co-occurrence (Easton DF et al. Am. J. Hum. Genet. 2007 Nov;81:873-83; Lindor NM et al. Hum. Mutat. 2012 Jan;33:8-21; Vallee MP et al. Hum. Mutat. 2012 Jan;33:22-8). Of note, this alteration is also referred to as 5242C>A in published literature. Based on the supporting evidence, this variant is interpreted as a disease-causing mutation.

All of Us Research Program, National Institutes of Health
Classification: Pathogenic for BRCA1-related cancer predisposition. Last evaluated: 2024-08-13. Review status: criteria provided, single submitter. Criteria: ACMG Guidelines, 2015. Collection method: clinical testing. Allele origin: germline. Inheritance: Autosomal dominant inheritance. Observed: 5 variant alleles, 5 heterozygotes. Not counted in ClinVar's aggregate classification.
Comment: This missense variant replaces alanine with glutamic acid at codon 1708 of the BRCA1 protein. Computational prediction suggests that this variant may have deleterious impact on protein structure and function (internally defined REVEL score threshold >= 0.7, PMID: 27666373). RNA studies have reported varying degrees of exon 17 (BIC exon 18) skipping (PMID: 19404736, 20215541, 26780556). Functional studies have reported this variant impacts BRCA1 function in mammalian transcription activation assays (PMID: 15923272, 11157798, 17305420), complementation of BRCA1-deficient embryonic stem cells (PMID: 19770520, 23867111), a haploid cell proliferation assay (PMID: 30209399) and homology-directed repair and chromosome aberration assays (PMID: 34855882). This variant has been observed as a recurrent mutation in Spanish hereditary breast and ovarian cancer families (PMID: 10737987, 12955716, 23479189, 28477318) and in individuals and families affected with breast and ovarian cancer in other populations (PMID: 7939630, 9523200, 11157798, 15340362, 17080309, 19404736, 30606148, 30287823, 33471991, 34196900). This variant has been shown to segregate with disease in three pedigrees (PMID: 15923272). This variant has been identified in 5/251312 chromosomes in the general population by the Genome Aggregation Database (gnomAD). Based on the available evidence, this variant is classified as Pathogenic.

This study involves interpretation of variants in research participants for the purpose of population health screening. Participant phenotype was not available at the time of variant classification. Additional details can be found in publication PMID: 35346344, PMCID: PMC8962531

Color Diagnostics, LLC DBA Color Health
Classification: Pathogenic for Hereditary cancer-predisposing syndrome. Last evaluated: 2024-06-18. Review status: criteria provided, single submitter. Criteria: ACMG Guidelines, 2015. Collection method: clinical testing. Allele origin: germline. Not counted in ClinVar's aggregate classification.
Comment: This missense variant replaces alanine with glutamic acid at codon 1708 of the BRCA1 protein. Computational prediction suggests that this variant may have deleterious impact on protein structure and function (internally defined REVEL score threshold >= 0.7, PMID: 27666373). RNA studies have reported varying degrees of exon 17 (BIC exon 18) skipping (PMID: 19404736, 20215541, 26780556). Functional studies have reported this variant impacts BRCA1 function in mammalian transcription activation assays (PMID: 15923272, 11157798, 17305420), complementation of BRCA1-deficient embryonic stem cells (PMID: 19770520, 23867111), a haploid cell proliferation assay (PMID: 30209399) and homology-directed repair and chromosome aberration assays (PMID: 34855882). This variant has been observed as a recurrent mutation in Spanish hereditary breast and ovarian cancer families (PMID: 10737987, 12955716, 23479189, 28477318) and in individuals and families affected with breast and ovarian cancer in other populations (PMID: 7939630, 9523200, 11157798, 15340362, 17080309, 19404736, 30606148, 30287823, 33471991, 34196900). This variant has been shown to segregate with disease in three pedigrees (PMID: 15923272). This variant has been identified in 5/251312 chromosomes in the general population by the Genome Aggregation Database (gnomAD). Based on the available evidence, this variant is classified as Pathogenic.

Institute of Medical Genetics and Applied Genomics, University Hospital Tübingen
Classification: Pathogenic for Hereditary breast ovarian cancer syndrome. Last evaluated: 2024-06-14. Review status: criteria provided, single submitter. Criteria: ACMG Guidelines, 2015. Collection method: clinical testing. Allele origin: germline. Inheritance: Autosomal dominant inheritance. Affected: yes. Not counted in ClinVar's aggregate classification.

Department of Clinical Genetics, Copenhagen University Hospital, Rigshospitalet
Classification: Pathogenic for Breast-ovarian cancer, familial, susceptibility to, 1. Last evaluated: 2024-05-27. Review status: criteria provided, single submitter. Criteria: ACMG Guidelines, 2015. Collection method: clinical testing. Allele origin: germline. Affected: yes. Not counted in ClinVar's aggregate classification.
Comment: PS3; PP3; PP1; Expert panel

Baylor Genetics
Classification: Pathogenic for Breast-ovarian cancer, familial, susceptibility to, 1. Last evaluated: 2024-03-05. Review status: criteria provided, single submitter. Criteria: ACMG Guidelines, 2015. Collection method: clinical testing. Allele origin: unknown. Not counted in ClinVar's aggregate classification.

Quest Diagnostics Nichols Institute San Juan Capistrano
Classification: Pathogenic. Last evaluated: 2023-12-06. Review status: criteria provided, single submitter. Criteria: Quest Diagnostics criteria. Collection method: clinical testing. Allele origin: unknown. Not counted in ClinVar's aggregate classification.
Comment: The BRCA1 c.5123C>A (p.Ala1708Glu) variant has been reported in the published literature in individuals and families affected with breast and/or ovarian cancer (PMIDs: 28477318 (2017), 23479189 (2013), 23233716 (2013), 22399190 (2012), 20215541 (2010), 17924331 (2007), 12955716 (2003), 11802208 (2002)). Additionally, functional studies indicate that this variant has a damaging effect on BRCA1 protein structure and function and may result in aberrant BRCA1 mRNA splicing (PMIDs: 20215541 (2010), 19404736 (2010), 20516115 (2010), 18036263 (2007), 17305420 (2007), 12400015 (2002), 11157798 (2001)). The frequency of this variant in the general population, 0.000058 (2/34580 chromosomes (Genome Aggregation Database)), is uninformative in the assessment of its pathogenicity. Based on the available information, this variant is classified as pathogenic.

CHEO Genetics Diagnostic Laboratory, Children's Hospital of Eastern Ontario
Classification: Pathogenic for Breast and/or ovarian cancer. Last evaluated: 2022-05-02. Review status: criteria provided, single submitter. Criteria: ACMG Guidelines, 2015. Collection method: clinical testing. Allele origin: germline. Not counted in ClinVar's aggregate classification.

Sema4
Classification: Pathogenic for Hereditary cancer-predisposing syndrome. Last evaluated: 2022-03-18. Review status: criteria provided, single submitter. Criteria: Sema4 Curation Guidelines. Collection method: curation. Allele origin: germline. Not counted in ClinVar's aggregate classification.
Comment: The BRCA1 c.5123C>A (p.A1708E) variant has been reported in numerous families with breast/ovarian cancer co-segregating with disease (PMID: 7939630, 11157798, 11802208, 17080309, 19404736, 20215541, 29446198, 30606148). It is also known as 5242C>A in the literature. RNA and minigene assays have demonstrated that this variant causes either complete or partial exon 17 skipping (PMID: 19404736, 20215541). Experimental studies have shown that A1708E disrupts protein function (PMID: 19770520, 11157798, 15923272, 19404736, 20215541, 21063910,25748678, 27272900, 30209399). This variant was observed in 2/34580 chromosomes in the Latino population, according to the Genome Aggregation Database (PMID: 27535533). This variant has been classified as pathogenic by a ClinGen-approved expert panel (ClinVar ID: 55407). Based on the current evidence available, this variant is interpreted as pathogenic.

Revvity Omics, Revvity
Classification: Pathogenic. Last evaluated: 2021-11-22. Review status: criteria provided, single submitter. Criteria: ACMG Guidelines, 2015. Collection method: clinical testing. Allele origin: germline. Not counted in ClinVar's aggregate classification.

Johns Hopkins Genomics, Johns Hopkins University
Classification: Pathogenic for Breast-ovarian cancer, familial, susceptibility to, 1. Last evaluated: 2020-12-04. Review status: criteria provided, single submitter. Criteria: ACMG Guidelines, 2015. Collection method: clinical testing. Allele origin: germline. Not counted in ClinVar's aggregate classification.